The following is an entry in ClinVar:

ClinVar aggregate classification (germline): Uncertain significance (1 of 4 stars; one submission).

gnomAD v4.1: 19 of 1,595,736 alleles (0.0012%); highest among the groups gnomAD compares: Non-Finnish European, 0.0016%; no homozygotes.

Submission:

Labcorp Genetics (formerly Invitae), Labcorp
Classification: Uncertain significance. Last evaluated: 2025-04-09. Review status: criteria provided, single submitter. Criteria: Invitae Variant Classification Sherloc (09022015). Collection method: clinical testing. Allele origin: germline.
Comment: This sequence change replaces isoleucine, which is neutral and non-polar, with leucine, which is neutral and non-polar, at codon 54 of the EPRS protein (p.Ile54Leu). This variant is not present in population databases (gnomAD no frequency). This variant has not been reported in the literature in individuals affected with EPRS-related conditions. An algorithm developed to predict the effect of missense changes on protein structure and function (PolyPhen-2) suggests that this variant is likely to be disruptive. In summary, the available evidence is currently insufficient to determine the role of this variant in disease. Therefore, it has been classified as a Variant of Uncertain Significance.

NM_004446.3(EPRS1):c.160A>T (p.Ile54Leu)

Gene: EPRS1 (glutamyl-prolyl-tRNA synthetase 1; minus strand). Cytogenetic location: 1q41.
Variant type: single nucleotide variant.
Coding change: c.160A>T on transcript NM_004446.3 (MANE Select); coding-DNA position 160, A replaced by T.
Protein change: p.Ile54Leu; replaces isoleucine 54 with leucine.
Molecular consequence: missense variant.
Genome position (GRCh38, 1-based): chr1:220,034,985, T>A on the plus strand (A>T on the coding strand, the complement: EPRS1 is on the minus strand). VCF-style: chr1-220034985-T-A. GRCh37 (hg19) VCF-style: chr1-220208327-T-A.
Other names: short protein forms I54L.
Identifiers: ClinVar variation 4704974 (VCV004704974.1).
Genomic context (GRCh38, chr1:220,034,985, plus strand): 5'-CCATCAGATTAGAGCCATATAACCCAGCTGTAGTTGCAACTCTAGCCAAGTAGCGAAGTA[T>A]AGAATTCACATCTGTGAATATCACATTTCTAGAATATAAGCACGAGATAAAATATTACTG-3'
Protein context (NP_004437.2, residues 44-64): ENVIFTDVNS[Ile54Leu]LRYLARVATT